The following is an entry in ClinVar:

NM_004006.3(DMD):c.8912_8913del (p.Leu2971fs)

Gene: DMD (dystrophin; minus strand). Cytogenetic location: Xp21.2.
Variant type: Microsatellite.
Coding change: c.8912_8913del on transcript NM_004006.3 (MANE Select); coding-DNA positions 8912 to 8913, 2 bases deleted (TC; older notation c.8912_8913delTC).
Protein change: p.Leu2971fs; shifts the reading frame from leucine 2971.
Molecular consequence: frameshift variant.
Genome position (GRCh38, 1-based): chrX:31,478,130-31,478,131, GA deleted on the plus strand (TC on the coding strand, the reverse complement: DMD is on the minus strand); deleting any 2 consecutive bases within chrX:31,478,130-31,478,136 gives the same sequence; the c. name uses the placement nearest the transcript's 3' end. VCF-style (leftmost placement, unchanged base first): chrX-31478129-GGA-G. GRCh37 (hg19) VCF-style: chrX-31496246-GGA-G.
Other names: c.8912_8913delTC (NM_004006.2); c.8888_8889del, p.Leu2963fs (NM_000109.4); c.8900_8901del, p.Leu2967fs (NM_004009.3); c.8543_8544del, p.Leu2848fs (NM_004010.3); c.4889_4890del, p.Leu1630fs (NM_004011.4); c.4880_4881del, p.Leu1627fs (NM_004012.4); c.1532_1533del, p.Leu511fs (NM_004013.3, NM_004020.4, NM_004021.3 and 2 more transcripts); c.725_726del, p.Leu242fs (NM_004014.3); short protein forms L1630fs, L2967fs, L2963fs, L511fs, L1627fs, L242fs, L2848fs, L2971fs.
Identifiers: ClinVar variation 94819 (VCV000094819.19), dbSNP rs398124078, ClinGen allele CA267176.

ClinVar aggregate classification (germline): Pathogenic. Review status: criteria provided, multiple submitters, no conflicts (2 of 4 stars). 3 submissions from 3 submitters: Pathogenic (3). Last evaluated 2026-01-13.

Conditions:
Duchenne muscular dystrophy (DMD). Also called: Duchenne Muscular Dystrophy (DMD); MUSCULAR DYSTROPHY, PSEUDOHYPERTROPHIC PROGRESSIVE, DUCHENNE TYPE. Identifiers: Orphanet 98896, MedGen C0013264, MONDO:0010679, OMIM 310200.

Submissions (3):

Labcorp Genetics (formerly Invitae), Labcorp
Classification: Pathogenic for Duchenne muscular dystrophy. Last evaluated: 2026-01-13. Review status: criteria provided, single submitter. Criteria: Invitae Variant Classification Sherloc (09022015). Collection method: clinical testing. Allele origin: germline.
Comment: This sequence change creates a premature translational stop signal (p.Leu2971Profs*26) in the DMD gene. It is expected to result in an absent or disrupted protein product. Loss-of-function variants in DMD are known to be pathogenic (PMID: 16770791, 25007885). This variant is not present in population databases (gnomAD no frequency). This premature translational stop signal has been observed in individual(s) with Duchenne muscular dystrophy (PMID: 21515508, 21520333). ClinVar contains an entry for this variant (Variation ID: 94819). For these reasons, this variant has been classified as Pathogenic.

Revvity Omics, Revvity
Classification: Pathogenic. Last evaluated: 2021-09-23. Review status: criteria provided, single submitter. Criteria: ACMG Guidelines, 2015. Collection method: clinical testing. Allele origin: germline.

Eurofins Ntd Llc (ga)
Classification: Pathogenic. Last evaluated: 2017-05-09. Review status: criteria provided, single submitter. Criteria: EGL Classification Definitions 2015. Collection method: clinical testing. Allele origin: germline. Observed: 4 variant alleles, 2 heterozygotes, 2 hemizygotes.

Literature cited by the submitters: PubMed 16770791 (cited by Labcorp Genetics (formerly Invitae), Labcorp); PubMed 25007885 (cited by Labcorp Genetics (formerly Invitae), Labcorp); PubMed 21515508 (cited by Labcorp Genetics (formerly Invitae), Labcorp); PubMed 21520333 (cited by Labcorp Genetics (formerly Invitae), Labcorp).